The following is an entry in ClinVar:

ClinVar aggregate classification (germline): Likely pathogenic (1 of 4 stars; one submission).

Conditions:
Primary ciliary dyskinesia 7. Also called: CILIARY DYSKINESIA, PRIMARY, 7, WITH OR WITHOUT SITUS INVERSUS. Identifiers: Orphanet 244, MedGen C2678473, MONDO:0012748, OMIM 611884.

Submission:

Servicio Canario de Salud, Hospital Universitario Nuestra Sra. de Candelaria
Classification: Likely pathogenic for Primary ciliary dyskinesia 7. Last evaluated: 2024-07-30. Review status: criteria provided, single submitter. Criteria: ACMG Guidelines, 2015. Collection method: clinical testing. Allele origin: germline. Inheritance: Autosomal recessive inheritance. Affected: yes. Observed: 1 heterozygote.
Comment: No other pathogenic variants were found. This variant has never been reported in DNAH11 related-disorders. Loss-of-function variants in DNAH11 are known to be pathogenic. This variant was absent from large population studies (gnomAD no frequency). In summary, the available evidence for NM_001277115.2:c.3545_3551delinsAGATGATGAACTGTAGCTGTAAGA, p.(Arg1182Glnfs*18) DNAH11 variant meets our criteria to be classified as Likely Pathogenic based upon its absence from controls and the clinical correlation in this patient´s phenotype.

Literature cited by the submitters: PubMed 30389601.

NM_001277115.2(DNAH11):c.3545_3551delinsAGATGATGAACTGTAGCTGTAAGA (p.Arg1182fs)

Gene: DNAH11 (dynein axonemal heavy chain 11; plus strand). Cytogenetic location: 7p15.3.
Variant type: Indel.
Coding change: c.3545_3551delinsAGATGATGAACTGTAGCTGTAAGA on transcript NM_001277115.2 (MANE Select); coding-DNA positions 3545 to 3551, GACAGAG replaced by AGATGATGAACTGTAGCTGTAAGA.
Protein change: p.Arg1182fs; shifts the reading frame from arginine 1182.
Molecular consequence: frameshift variant.
Genome position (GRCh38, 1-based): chr7:21,601,515-21,601,521, GACAGAG replaced by AGATGATGAACTGTAGCTGTAAGA. VCF-style: chr7-21601515-GACAGAG-AGATGATGAACTGTAGCTGTAAGA. GRCh37 (hg19) VCF-style: chr7-21641133-GACAGAG-AGATGATGAACTGTAGCTGTAAGA.
Other names: short protein forms R1182fs.
Identifiers: ClinVar variation 3256538 (VCV003256538.2).